The following is an entry in ClinVar:

ClinVar aggregate classification (germline): Uncertain significance (1 of 4 stars; one submission).

Submission:

Ambry Genetics
Classification: Uncertain significance. Last evaluated: 2024-10-18. Review status: criteria provided, single submitter. Criteria: Ambry Variant Classification Scheme 2023. Collection method: clinical testing. Allele origin: germline.
Comment: The p.H792Q variant (also known as c.2376C>G), located in coding exon 22 of the KIF1B gene, results from a C to G substitution at nucleotide position 2376. The histidine at codon 792 is replaced by glutamine, an amino acid with highly similar properties. This amino acid position is conserved. In addition, this alteration is predicted to be deleterious by in silico analysis. Based on the available evidence, the clinical significance of this variant remains unclear.

NM_001365951.3(KIF1B):c.2514C>G (p.His838Gln)

Gene: KIF1B (kinesin family member 1B; plus strand). Cytogenetic location: 1p36.22.
Variant type: single nucleotide variant.
Coding change: c.2514C>G on transcript NM_001365951.3 (MANE Select); coding-DNA position 2514, C replaced by G.
Protein change: p.His838Gln; replaces histidine 838 with glutamine.
Molecular consequence: missense variant.
Genome position (GRCh38, 1-based): chr1:10,324,039, C>G. VCF-style: chr1-10324039-C-G. GRCh37 (hg19) VCF-style: chr1-10384097-C-G.
Other names: c.2514C>G, p.His838Gln (NM_001365952.1); c.2376C>G, p.His792Gln (NM_015074.3); short protein forms H792Q, H838Q.
Identifiers: ClinVar variation 3534048 (VCV003534048.1).
Genomic context (GRCh38, chr1:10,324,039, plus strand): 5'-GCCTTTCCCTCGCACAGTGGTAGCAGTAGAAGTCCAGGATTTGAAGAATGGAGCAACACA[C>G]TATTGGTCTTTGGAGAAACTCAAGTATGAAAACATTCATAAAGGCTGGTTGTTTTATTTA-3'
Protein context (NP_001352880.1, residues 828-848): EVQDLKNGAT[His838Gln]YWSLEKLKQR